The following is an entry in ClinVar:

ClinVar aggregate classification (germline): Pathogenic (1 of 4 stars; one submission).

Conditions:
Intellectual developmental disorder, autosomal dominant 52. Also called: Intellectual disability, autosomal dominant 52; Mental retardation, autosomal dominant 52. Identifiers: MedGen C4540478, MONDO:0030918, OMIM 617796.

Submission:

Juno Genomics, Hangzhou Juno Genomics, Inc
Classification: Pathogenic for Intellectual developmental disorder, autosomal dominant 52. Review status: criteria provided, single submitter. Criteria: ACMG Guidelines, 2015. Collection method: clinical testing. Allele origin: germline. Affected: yes.
Comment: Absent from controls (or at extremely low frequency if recessive) in Genome Aggregation Database, Exome Sequencing Project, 1000 Genomes Project, or Exome Aggregation Consortium.;Null variant in a gene where loss of function (LOF) is a known mechanism of disease.;The prevalence of the variant in affected individuals is significantly increased compared to the prevalence in controls.;Assumed de novo, but without confirmation of paternity and maternity.

NM_018489.3(ASH1L):c.7189C>T (p.Arg2397Ter)

Gene: ASH1L (ASH1 like histone lysine methyltransferase; minus strand). Cytogenetic location: 1q22.
Variant type: single nucleotide variant.
Coding change: c.7189C>T on transcript NM_018489.3 (MANE Select); coding-DNA position 7189, C replaced by T.
Protein change: p.Arg2397Ter; replaces arginine 2397 with a stop codon.
Molecular consequence: nonsense.
Genome position (GRCh38, 1-based): chr1:155,354,497, G>A on the plus strand (C>T on the coding strand, the complement: ASH1L is on the minus strand). VCF-style: chr1-155354497-G-A. GRCh37 (hg19) VCF-style: chr1-155324288-G-A.
Other names: c.7204C>T, p.Arg2402Ter (NM_001366177.2); short protein forms R2397*, R2402*.
Identifiers: ClinVar variation 3382380 (VCV003382380.2).